The following is an entry in ClinVar:

NM_152564.5(VPS13B):c.5629A>G (p.Arg1877Gly)

Gene: VPS13B (vacuolar protein sorting 13 homolog B; plus strand). Cytogenetic location: 8q22.2.
Variant type: single nucleotide variant.
Coding change: c.5629A>G on transcript NM_152564.5 (MANE Select); coding-DNA position 5629, A replaced by G.
Protein change: p.Arg1877Gly; replaces arginine 1877 with glycine.
Molecular consequence: missense variant.
Genome position (GRCh38, 1-based): chr8:99,642,219, A>G. VCF-style: chr8-99642219-A-G. GRCh37 (hg19) VCF-style: chr8-100654447-A-G.
Other names: c.5704A>G, p.Arg1902Gly (NM_017890.5); short protein forms R1877G, R1902G.
Identifiers: ClinVar variation 939553 (VCV000939553.8), dbSNP rs1829398507, ClinGen allele CA371872973.
Genomic context (GRCh38, chr8:99,642,219, plus strand): 5'-TCAGATGTTGCTAAGCCCAACCAGGCATGTATTTCCACGGTGACAGCAGAAGATCTCTTA[A>G]GGAGCAGCATTTCTTTTCCTTCAGGGAAAAAAATAGGGGTCCTCTCTCTTGAAAGTCTTC-3'
Protein context (NP_689777.3, residues 1867-1887): ISTVTAEDLL[Arg1877Gly]SSISFPSGKK

ClinVar aggregate classification (germline): Uncertain significance (1 of 4 stars; one submission).

Conditions:
Cohen syndrome (COH1). Also called: PEPPER SYNDROME; Cutis verticis gyrata, retinitis pigmentosa, and sensorineural deafness. Identifiers: Orphanet 193, MedGen C0265223, MONDO:0008999, OMIM 216550.

Allele frequency attached by ClinVar (database versions not stated): gnomAD exomes below 0.00001.
gnomAD v4.1: 1 of 1,614,184 alleles (0.000062%); highest among the groups gnomAD compares: East Asian, 0.0022%; no homozygotes.

Submission:

Labcorp Genetics (formerly Invitae), Labcorp
Classification: Uncertain significance for Cohen syndrome. Last evaluated: 2020-01-28. Review status: criteria provided, single submitter. Criteria: Invitae Variant Classification Sherloc (09022015). Collection method: clinical testing. Allele origin: germline.
Comment: In summary, the available evidence is currently insufficient to determine the role of this variant in disease. Therefore, it has been classified as a Variant of Uncertain Significance. Algorithms developed to predict the effect of missense changes on protein structure and function (SIFT, PolyPhen-2, Align-GVGD) all suggest that this variant is likely to be tolerated, but these predictions have not been confirmed by published functional studies and their clinical significance is uncertain. This variant has not been reported in the literature in individuals with VPS13B-related conditions. This variant is not present in population databases (ExAC no frequency). This sequence change replaces arginine with glycine at codon 1902 of the VPS13B protein (p.Arg1902Gly). The arginine residue is weakly conserved and there is a moderate physicochemical difference between arginine and glycine.